The following is an entry in ClinVar:

NM_000153.4(GALC):c.622-273G>A

Gene: GALC (galactosylceramidase; minus strand). Cytogenetic location: 14q31.3.
Variant type: single nucleotide variant.
Coding change: c.622-273G>A on transcript NM_000153.4 (MANE Select); 273 bases into the intron before coding-DNA position 622, G replaced by A.
Molecular consequence: intron variant.
Genome position (GRCh38, 1-based): chr14:87,976,761, C>T on the plus strand (G>A on the coding strand, the complement: GALC is on the minus strand). VCF-style: chr14-87976761-C-T. GRCh37 (hg19) VCF-style: chr14-88443105-C-T.
Other names: c.544-273G>A (NM_001201402.2); c.553-273G>A (NM_001201401.2).
Identifiers: ClinVar variation 672028 (VCV000672028.2), dbSNP rs148708614, ClinGen allele CA14035477.
Genomic context (GRCh38, chr14:87,976,761, plus strand): 5'-GCCTCCAGGGCTCAAATGATTCTCCTGCCTCAGCCTCCCAAGTAGCTGGGATTACAGGCA[C>T]GCGCCACCACGCCTGGCTAATTTTTGTATTTTTTAGCAGAGACAGGGTTTCGCCATATTG-3'

ClinVar aggregate classification (germline): Benign. Review status: criteria provided, multiple submitters, no conflicts (2 of 4 stars). 2 submissions from 2 submitters: Benign (2). Last evaluated 2018-06-19.

Allele frequency attached by ClinVar (database versions not stated): 1000 Genomes Project 0.07947; 1000 Genomes Project 30x 0.08214; TOPMed 0.10662; gnomAD 0.11310 and 0.11438; gnomAD exomes 0.13628.
gnomAD v4.1: 48,255 of 379,412 alleles (13%); highest among the groups gnomAD compares: Non-Finnish European, 16%; 3,502 homozygotes.

Submissions (2):

GeneDx
Classification: Benign. Last evaluated: 2018-06-19. Review status: criteria provided, single submitter. Criteria: GeneDx Variant Classification (06012015). Collection method: clinical testing. Allele origin: germline. Affected: yes.
Comment: This variant is considered likely benign or benign based on one or more of the following criteria: it is a conservative change, it occurs at a poorly conserved position in the protein, it is predicted to be benign by multiple in silico algorithms, and/or has population frequency not consistent with disease.

Breakthrough Genomics
Classification: Benign. Review status: criteria provided, single submitter. Criteria: ACMG Guidelines, 2015. Collection method: not provided. Allele origin: germline. Inheritance: Autosomal recessive inheritance. Affected: yes.